The following is an entry in ClinVar:

NM_000481.4(AMT):c.148G>T (p.Val50Leu)

Gene: AMT (aminomethyltransferase; minus strand). Cytogenetic location: 3p21.31.
Variant type: single nucleotide variant.
Coding change: c.148G>T on transcript NM_000481.4 (MANE Select); coding-DNA position 148, G replaced by T.
Protein change: p.Val50Leu; replaces valine 50 with leucine.
Molecular consequence: missense variant. On other transcripts: non-coding transcript variant (1), intron variant (1).
Genome position (GRCh38, 1-based): chr3:49,422,214, C>A on the plus strand (G>T on the coding strand, the complement: AMT is on the minus strand). VCF-style: chr3-49422214-C-A. GRCh37 (hg19) VCF-style: chr3-49459647-C-A.
Other names: c.148G>T, p.Val50Leu (NM_001164710.2, NM_001164712.2); c.90+147G>T (NM_001164711.2); short protein forms V50L.
Identifiers: ClinVar variation 645153 (VCV000645153.9), dbSNP rs148917929, ClinGen allele CA2398464.

ClinVar aggregate classification (germline): Conflicting classifications of pathogenicity. Review status: criteria provided, conflicting classifications (1 of 4 stars). 4 submissions from 4 submitters: Uncertain significance (2); Likely benign (1). 1 of the submissions does not count toward it. Last evaluated 2025-04-10.

Conditions:
Glycine encephalopathy. Also called: Non-ketotic hyperglycinemia; Nonketotic hyperglycinemia. Identifiers: Orphanet 407, MedGen C0751748, MONDO:0011612, HP:0008288.

Allele frequency attached by ClinVar (database versions not stated): TOPMed 0.00002; 1000 Genomes Project 30x 0.00047; 1000 Genomes Project 0.00060.
gnomAD v4.1: 154 of 1,614,072 alleles (0.0095%); highest among the groups gnomAD compares: East Asian, 0.34%; 1 homozygote.

Submissions (4):

Athena Diagnostics
Classification: Uncertain significance. Last evaluated: 2025-04-10. Review status: criteria provided, single submitter. Criteria: Athena Diagnostics Criteria. Collection method: clinical testing. Allele origin: unknown.
Comment: Available data are insufficient to determine the clinical significance of the variant at this time. The frequency of this variant in the general population is higher than would generally be expected for pathogenic variants in this gene. Polyphen and MutationTaster yielded discordant predictions regarding whether this amino acid change is damaging to the protein.

Labcorp Genetics (formerly Invitae), Labcorp
Classification: Uncertain significance for Glycine encephalopathy. Last evaluated: 2022-10-17. Review status: criteria provided, single submitter. Criteria: Invitae Variant Classification Sherloc (09022015). Collection method: clinical testing. Allele origin: germline.
Comment: This sequence change replaces valine, which is neutral and non-polar, with leucine, which is neutral and non-polar, at codon 50 of the AMT protein (p.Val50Leu). This variant is present in population databases (rs148917929, gnomAD 0.06%). This variant has not been reported in the literature in individuals affected with AMT-related conditions. ClinVar contains an entry for this variant (Variation ID: 645153). Advanced modeling of protein sequence and biophysical properties (such as structural, functional, and spatial information, amino acid conservation, physicochemical variation, residue mobility, and thermodynamic stability) has been performed at Invitae for this missense variant, however the output from this modeling did not meet the statistical confidence thresholds required to predict the impact of this variant on AMT protein function. In summary, the available evidence is currently insufficient to determine the role of this variant in disease. Therefore, it has been classified as a Variant of Uncertain Significance.

Illumina Laboratory Services, Illumina
Classification: Likely benign for Glycine encephalopathy 1. Last evaluated: 2017-04-27. Review status: criteria provided, single submitter. Criteria: ICSL Variant Classification Criteria 13 December 2019. Collection method: clinical testing. Allele origin: germline.
Comment: This variant was observed as part of a predisposition screen in an ostensibly healthy population. A literature search was performed for the gene, cDNA change, and amino acid change (where applicable). No publications were found based on this search. Allele frequency data from public databases allowed determination this variant is unlikely to cause disease. Therefore, this variant is classified as likely benign.

Natera, Inc.
Classification: Uncertain significance for Non-ketotic hyperglycinemia. Last evaluated: 2020-01-17. Review status: no assertion criteria provided. Collection method: clinical testing. Allele origin: germline. Not counted in ClinVar's aggregate classification.